The following is an entry in ClinVar:

ClinVar aggregate classification (germline): Uncertain significance (1 of 4 stars; one submission).

Conditions:
Congenital contractural arachnodactyly (CCA). Also called: BEALS SYNDROME; Arthrogryposis, distal, type 9; Beals-Hecht syndrome. Identifiers: Orphanet 115, MedGen C0220668, MONDO:0007363, OMIM 121050.

Allele frequency attached by ClinVar (database versions not stated): gnomAD 0.00001.
gnomAD v4.1: 1 of 1,613,930 alleles (0.000062%); highest among the groups gnomAD compares: Non-Finnish European, 0.000085%; no homozygotes.

Submission:

Labcorp Genetics (formerly Invitae), Labcorp
Classification: Uncertain significance for Congenital contractural arachnodactyly. Last evaluated: 2023-10-06. Review status: criteria provided, single submitter. Criteria: Invitae Variant Classification Sherloc (09022015). Collection method: clinical testing. Allele origin: germline.
Comment: This sequence change affects codon 1199 of the FBN2 mRNA. It is a 'silent' change, meaning that it does not change the encoded amino acid sequence of the FBN2 protein. It affects a nucleotide within the consensus splice site. This variant is not present in population databases (gnomAD no frequency). This variant has not been reported in the literature in individuals affected with FBN2-related conditions. Algorithms developed to predict the effect of sequence changes on RNA splicing suggest that this variant is not likely to affect RNA splicing. In summary, the available evidence is currently insufficient to determine the role of this variant in disease. Therefore, it has been classified as a Variant of Uncertain Significance.

NM_001999.4(FBN2):c.3597G>C (p.Val1199=)

Gene: FBN2 (fibrillin 2; minus strand). Cytogenetic location: 5q23.3.
Variant type: single nucleotide variant.
Coding change: c.3597G>C on transcript NM_001999.4 (MANE Select); coding-DNA position 3597, G replaced by C.
Protein change: p.Val1199=; no amino-acid change (valine 1199 retained).
Molecular consequence: synonymous variant.
Genome position (GRCh38, 1-based): chr5:128,337,998, C>G on the plus strand (G>C on the coding strand, the complement: FBN2 is on the minus strand). VCF-style: chr5-128337998-C-G. GRCh37 (hg19) VCF-style: chr5-127673690-C-G.
Identifiers: ClinVar variation 2766274 (VCV002766274.3), dbSNP rs1750891066, ClinGen allele CA446310537.